The following is an entry in ClinVar:

NM_000129.4(F13A1):c.409A>T (p.Met137Leu)

Gene: F13A1 (coagulation factor XIII A chain; minus strand). Cytogenetic location: 6p25.1.
Variant type: single nucleotide variant.
Coding change: c.409A>T on transcript NM_000129.4 (MANE Select); coding-DNA position 409, A replaced by T.
Protein change: p.Met137Leu; replaces methionine 137 with leucine.
Molecular consequence: missense variant.
Genome position (GRCh38, 1-based): chr6:6,266,720, T>A on the plus strand (A>T on the coding strand, the complement: F13A1 is on the minus strand). VCF-style: chr6-6266720-T-A. GRCh37 (hg19) VCF-style: chr6-6266953-T-A.
Other names: short protein forms M137L.
Identifiers: ClinVar variation 3768573 (VCV003768573.1).

ClinVar aggregate classification (germline): Uncertain significance (1 of 4 stars; one submission).

Submission:

Women's Health and Genetics/Laboratory Corporation of America, LabCorp
Classification: Uncertain significance. Last evaluated: 2024-12-17. Review status: criteria provided, single submitter. Criteria: LabCorp Variant Classification Summary - May 2015. Collection method: clinical testing. Allele origin: germline.
Comment: Variant summary: F13A1 c.409A>T (p.Met137Leu) results in a conservative amino acid change located in the Transglutaminase family domain of the encoded protein sequence. Five of five in-silico tools predict a benign effect of the variant on protein function. The variant was absent in 251320 control chromosomes. The available data on variant occurrences in the general population are insufficient to allow any conclusion about variant significance. To our knowledge, no occurrence of c.409A>T in individuals affected with Factor XIIIA Deficiency and no experimental evidence demonstrating its impact on protein function have been reported. No submitters have cited clinical-significance assessments for this variant to ClinVar. Based on the evidence outlined above, the variant was classified as uncertain significance.